The following is an entry in ClinVar:

NM_203447.4(DOCK8):c.1901A>C (p.Lys634Thr)

Gene: DOCK8 (dedicator of cytokinesis 8; plus strand). Cytogenetic location: 9p24.3.
Variant type: single nucleotide variant.
Coding change: c.1901A>C on transcript NM_203447.4 (MANE Select); coding-DNA position 1901, A replaced by C.
Protein change: p.Lys634Thr; replaces lysine 634 with threonine.
Molecular consequence: missense variant.
Genome position (GRCh38, 1-based): chr9:371,460, A>C. VCF-style: chr9-371460-A-C. GRCh37 (hg19) VCF-style: chr9-371460-A-C.
Other names: c.1697A>C, p.Lys566Thr (NM_001190458.2, NM_001193536.2); short protein forms K566T, K634T.
Identifiers: ClinVar variation 1959375 (VCV001959375.4), dbSNP rs752792683, ClinGen allele CA4957999.

ClinVar aggregate classification (germline): Uncertain significance (1 of 4 stars; one submission).

Allele frequency attached by ClinVar (database versions not stated): gnomAD exomes 0.00001; ExAC 0.00001.
gnomAD v4.1: 9 of 1,614,220 alleles (0.00056%); highest among the groups gnomAD compares: Non-Finnish European, 0.00076%; no homozygotes.

Submission:

Labcorp Genetics (formerly Invitae), Labcorp
Classification: Uncertain significance for Combined immunodeficiency due to DOCK8 deficiency. Last evaluated: 2022-04-05. Review status: criteria provided, single submitter. Criteria: Invitae Variant Classification Sherloc (09022015). Collection method: clinical testing. Allele origin: germline.
Comment: In summary, the available evidence is currently insufficient to determine the role of this variant in disease. Therefore, it has been classified as a Variant of Uncertain Significance. Algorithms developed to predict the effect of missense changes on protein structure and function are either unavailable or do not agree on the potential impact of this missense change (SIFT: "Tolerated"; PolyPhen-2: "Possibly Damaging"; Align-GVGD: "Class C0"). This variant has not been reported in the literature in individuals affected with DOCK8-related conditions. This variant is present in population databases (rs752792683, gnomAD 0.0009%). This sequence change replaces lysine, which is basic and polar, with threonine, which is neutral and polar, at codon 634 of the DOCK8 protein (p.Lys634Thr).